The following is an entry in ClinVar:

ClinVar aggregate classification (germline): Uncertain significance (1 of 4 stars; one submission).

Conditions:
Cardiovascular phenotype. Identifiers: MedGen CN230736.

Allele frequency attached by ClinVar (database versions not stated): gnomAD exomes below 0.00001.
gnomAD v4.1: 2 of 1,613,710 alleles (0.00012%); highest among the groups gnomAD compares: Non-Finnish European, 0.00017%; no homozygotes.

Submission:

Ambry Genetics
Classification: Uncertain significance for Cardiovascular phenotype. Last evaluated: 2020-11-17. Review status: criteria provided, single submitter. Criteria: Ambry Variant Classification Scheme 2023. Collection method: clinical testing. Allele origin: germline.
Comment: The p.F13S variant (also known as c.38T>C), located in coding exon 1 of the CASQ2 gene, results from a T to C substitution at nucleotide position 38. The phenylalanine at codon 13 is replaced by serine, an amino acid with highly dissimilar properties. This amino acid position is poorly conserved in available vertebrate species. In addition, this alteration is predicted to be tolerated by in silico analysis. Since supporting evidence is limited at this time, the clinical significance of this alteration remains unclear.

NM_001232.4(CASQ2):c.38T>C (p.Phe13Ser)

Gene: CASQ2 (calsequestrin 2; minus strand). Cytogenetic location: 1p13.1.
Variant type: single nucleotide variant.
Coding change: c.38T>C on transcript NM_001232.4 (MANE Select); coding-DNA position 38, T replaced by C.
Protein change: p.Phe13Ser; replaces phenylalanine 13 with serine.
Molecular consequence: missense variant.
Genome position (GRCh38, 1-based): chr1:115,768,504, A>G on the plus strand (T>C on the coding strand, the complement: CASQ2 is on the minus strand). VCF-style: chr1-115768504-A-G. GRCh37 (hg19) VCF-style: chr1-116311125-A-G.
Other names: short protein forms F13S.
Identifiers: ClinVar variation 1736011 (VCV001736011.2), dbSNP rs2526106667, ClinGen allele CA341767396.
Genomic context (GRCh38, chr1:115,768,504, plus strand): 5'-CGGTCCTTCCCATCATATGTGGGGAAATTAAGCCCCTCTTCTGCCCTGCAAGAGGACAGA[A>G]AATAAATCCCCACAATAAACAAGTGAGTTCTCTTCATTTGGGAAAACTTTTGTTTCTCGT-3'
Protein context (NP_001223.2, residues 3-23): RTHLFIVGIY[Phe13Ser]LSSCRAEEGL